The following is an entry in ClinVar:

ClinVar aggregate classification (germline): Uncertain significance (1 of 4 stars; one submission).

Submission:

GeneDx
Classification: Uncertain significance. Last evaluated: 2024-12-23. Review status: criteria provided, single submitter. Criteria: GeneDx Variant Classification Process June 2021. Collection method: clinical testing. Allele origin: germline. Affected: yes.
Comment: Not observed at significant frequency in large population cohorts (gnomAD); In silico analysis supports a deleterious effect on protein structure/function; Has not been previously published as pathogenic or benign to our knowledge

NM_001386298.1(CIC):c.6013_6015delinsAAA (p.Tyr2005Lys)

Gene: CIC (capicua transcriptional repressor; plus strand). Cytogenetic location: 19q13.2.
Variant type: Indel.
Coding change: c.6013_6015delinsAAA on transcript NM_001386298.1 (MANE Select); coding-DNA positions 6013 to 6015, TAC replaced by AAA.
Protein change: p.Tyr2005Lys; replaces tyrosine 2005 with lysine.
Molecular consequence: missense variant.
Genome position (GRCh38, 1-based): chr19:42,292,676-42,292,678, TAC replaced by AAA. VCF-style: chr19-42292676-TAC-AAA. GRCh37 (hg19) VCF-style: chr19-42796828-TAC-AAA.
Other names: c.6013_6015delinsAAA, p.Tyr2005Lys (NM_001304815.2, NM_001379480.1, NM_001379482.1); c.3286_3288delinsAAA, p.Tyr1096Lys (NM_001379484.1, NM_001379485.1, NM_015125.5); short protein forms Y1096K, Y2005K.
Identifiers: ClinVar variation 3907939 (VCV003907939.1).